The following is an entry in ClinVar:

ClinVar aggregate classification (germline): Uncertain significance (1 of 4 stars; one submission).

Conditions:
Hereditary cancer-predisposing syndrome. Also called: Neoplastic Syndromes, Hereditary; Tumor predisposition; Hereditary Cancer Syndrome; Hereditary neoplastic syndrome. Identifiers: Orphanet 140162, MedGen C0027672, MeSH D009386, MONDO:0015356.

gnomAD v4.1: 3 of 1,613,586 alleles (0.00019%); highest among the groups gnomAD compares: South Asian, 0.0033%; no homozygotes.

Submissions (2):

Ambry Genetics
Classification: Uncertain significance for Hereditary cancer-predisposing syndrome. Last evaluated: 2025-02-03. Review status: criteria provided, single submitter. Criteria: Ambry Variant Classification Scheme 2023. Collection method: clinical testing. Allele origin: germline.
Comment: The p.I463T variant (also known as c.1388T>C), located in coding exon 9 of the FH gene, results from a T to C substitution at nucleotide position 1388. The isoleucine at codon 463 is replaced by threonine, an amino acid with similar properties. This amino acid position is conserved. In addition, this alteration is predicted to be deleterious by in silico analysis. Based on the available evidence, the clinical significance of this variant remains unclear.

Blake Wilde Laboratory, Roswell Park Comprehensive Cancer Center
No classification provided (evidence only). Condition: Hereditary leiomyomatosis and renal cell cancer. Review status: no classification provided. Collection method: in vitro. Allele origin: not applicable. Functional consequence: decreased enzyme activity. Not counted in ClinVar's aggregate classification.

NM_000143.4(FH):c.1388T>C (p.Ile463Thr)

Gene: FH (fumarate hydratase; minus strand). Cytogenetic location: 1q43.
Variant type: single nucleotide variant.
Coding change: c.1388T>C on transcript NM_000143.4 (MANE Select); coding-DNA position 1388, T replaced by C.
Protein change: p.Ile463Thr; replaces isoleucine 463 with threonine.
Molecular consequence: missense variant.
Genome position (GRCh38, 1-based): chr1:241,500,439, A>G on the plus strand (T>C on the coding strand, the complement: FH is on the minus strand). VCF-style: chr1-241500439-A-G. GRCh37 (hg19) VCF-style: chr1-241663739-A-G.
Other names: short protein forms I463T.
Identifiers: ClinVar variation 3850232 (VCV003850232.1).